The following is an entry in ClinVar:

ClinVar aggregate classification (germline): Uncertain significance. Review status: criteria provided, multiple submitters, no conflicts (2 of 4 stars). 3 submissions from 3 submitters: Uncertain significance (3). Last evaluated 2025-01-15.

Conditions:
Lethal polymalformative syndrome, Boissel type. Also called: GROWTH RETARDATION, DEVELOPMENTAL DELAY, AND FACIAL DYSMORPHISM. Identifiers: Orphanet 210144, MedGen C2752001, MONDO:0013050, OMIM 612938.
Inborn genetic diseases. Identifiers: MedGen C0950123, MeSH D030342.

Allele frequency attached by ClinVar (database versions not stated): ExAC 0.00041; gnomAD exomes 0.00046 and 0.00055; TOPMed 0.00051; ESP Exome Variant Server 0.00054; gnomAD 0.00056 and 0.00058.
gnomAD v4.1: 882 of 1,614,164 alleles (0.055%); highest among the groups gnomAD compares: Non-Finnish European, 0.07%; 3 homozygotes.

Submissions (3):

Labcorp Genetics (formerly Invitae), Labcorp
Classification: Uncertain significance. Last evaluated: 2025-01-15. Review status: criteria provided, single submitter. Criteria: Invitae Variant Classification Sherloc (09022015). Collection method: clinical testing. Allele origin: germline.
Comment: This sequence change replaces valine, which is neutral and non-polar, with isoleucine, which is neutral and non-polar, at codon 201 of the FTO protein (p.Val201Ile). This variant is present in population databases (rs150450891, gnomAD 0.1%), and has an allele count higher than expected for a pathogenic variant. This variant has not been reported in the literature in individuals affected with FTO-related conditions. ClinVar contains an entry for this variant (Variation ID: 884924). Invitae Evidence Modeling of protein sequence and biophysical properties (such as structural, functional, and spatial information, amino acid conservation, physicochemical variation, residue mobility, and thermodynamic stability) indicates that this missense variant is not expected to disrupt FTO protein function with a negative predictive value of 80%. In summary, the available evidence is currently insufficient to determine the role of this variant in disease. Therefore, it has been classified as a Variant of Uncertain Significance.

Ambry Genetics
Classification: Uncertain significance for Inborn genetic diseases. Last evaluated: 2020-12-29. Review status: criteria provided, single submitter. Criteria: Ambry Variant Classification Scheme 2023. Collection method: clinical testing. Allele origin: germline.
Comment: The c.601G>A (p.V201I) alteration is located in exon 3 (coding exon 3) of the FTO gene. This alteration results from a G to A substitution at nucleotide position 601, causing the valine (V) at amino acid position 201 to be replaced by an isoleucine (I). The p.V201I alteration is predicted to be tolerated by in silico analysis. Based on insufficient or conflicting evidence, the clinical significance of this alteration remains unclear.

Illumina Laboratory Services, Illumina
Classification: Uncertain significance for Lethal polymalformative syndrome, Boissel type. Last evaluated: 2018-01-12. Review status: criteria provided, single submitter. Criteria: ICSL Variant Classification Criteria 13 December 2019. Collection method: clinical testing. Allele origin: germline.

NM_001080432.3(FTO):c.601G>A (p.Val201Ile)

Gene: FTO (FTO alpha-ketoglutarate dependent dioxygenase; plus strand). Cytogenetic location: 16q12.2.
Variant type: single nucleotide variant.
Coding change: c.601G>A on transcript NM_001080432.3 (MANE Select); coding-DNA position 601, G replaced by A.
Protein change: p.Val201Ile; replaces valine 201 with isoleucine.
Molecular consequence: missense variant.
Genome position (GRCh38, 1-based): chr16:53,826,341, G>A. VCF-style: chr16-53826341-G-A. GRCh37 (hg19) VCF-style: chr16-53860253-G-A.
Other names: c.601G>A, p.Val201Ile (NM_001363891.2, NM_001363894.2, NM_001363896.2 and 6 more transcripts); c.523G>A, p.Val175Ile (NM_001363897.2); c.88G>A, p.Val30Ile (NM_001363905.2); short protein forms V201I, V30I, V175I.
Identifiers: ClinVar variation 884924 (VCV000884924.8), dbSNP rs150450891, ClinGen allele CA8058403.